The following is an entry in ClinVar:

ClinVar aggregate classification (germline): Likely pathogenic (1 of 4 stars; one submission).

Submission:

Labcorp Genetics (formerly Invitae), Labcorp
Classification: Likely pathogenic. Last evaluated: 2024-02-24. Review status: criteria provided, single submitter. Criteria: Invitae Variant Classification Sherloc (09022015). Collection method: clinical testing. Allele origin: germline.
Comment: This sequence change affects a donor splice site in intron 10 of the ARMC9 gene. It is expected to disrupt RNA splicing. Variants that disrupt the donor or acceptor splice site typically lead to a loss of protein function (PMID: 16199547), and loss-of-function variants in ARMC9 are known to be pathogenic (PMID: 28625504). This variant is not present in population databases (gnomAD no frequency). This variant has not been reported in the literature in individuals affected with ARMC9-related conditions. ClinVar contains an entry for this variant (Variation ID: 2023502). Algorithms developed to predict the effect of sequence changes on RNA splicing suggest that this variant may disrupt the consensus splice site. In summary, the currently available evidence indicates that the variant is pathogenic, but additional data are needed to prove that conclusively. Therefore, this variant has been classified as Likely Pathogenic.

Literature cited by the submitters: PubMed 16199547; PubMed 28625504.

NM_001352754.2(ARMC9):c.1026+2T>C

Gene: ARMC9 (armadillo repeat containing 9; plus strand). Cytogenetic location: 2q37.1.
Variant type: single nucleotide variant.
Coding change: c.1026+2T>C on transcript NM_001352754.2 (MANE Select); the canonical splice donor site of the intron after coding-DNA position 1026, T replaced by C.
Molecular consequence: splice donor variant.
Genome position (GRCh38, 1-based): chr2:231,259,104, T>C. VCF-style: chr2-231259104-T-C. GRCh37 (hg19) VCF-style: chr2-232123817-T-C.
Other names: c.1026+2T>C (NM_001271466.4, NM_001352755.2, NM_001352756.2 and 3 more transcripts); c.927+2T>C (NM_001352757.2, NM_001352758.2).
Identifiers: ClinVar variation 2023502 (VCV002023502.4), dbSNP rs2469737879, ClinGen allele CA350955552.